The following is an entry in ClinVar:

ClinVar aggregate classification (germline): Pathogenic/Likely pathogenic. Review status: criteria provided, multiple submitters, no conflicts (2 of 4 stars). 2 submissions from 2 submitters: Pathogenic (1); Likely pathogenic (1). Last evaluated 2025-04-12.

Conditions:
Epidermolysis bullosa dystrophica. Also called: Dystrophic epidermolysis bullosa, Hallopeau-Siemens type (formerly); Dystrophic epidermolysis bullosa. Identifiers: Orphanet 303, MedGen C0079294, MONDO:0006543.

Submissions (2):

Natera, Inc.
Classification: Likely pathogenic for Dystrophic epidermolysis bullosa. Last evaluated: 2025-04-12. Review status: criteria provided, single submitter. Criteria: Natera Variant Classification Schema (03/2026). Collection method: clinical testing. Allele origin: germline.
Comment: The c.4943del variant in COL7A1 is a frameshift variant predicted to shift the reading frame beginning at codon 1648 and leads to a stop codon 62 codons downstream. This variant is expected to result in nonsense mediated decay, truncation, or a dysfunctional protein product. This variant is rare in the general population with a frequency below the threshold expected for the associated phenotype(s). Given the available evidence, this variant is classified as Likely Pathogenic.

Labcorp Genetics (formerly Invitae), Labcorp
Classification: Pathogenic. Last evaluated: 2025-02-19. Review status: criteria provided, single submitter. Criteria: Invitae Variant Classification Sherloc (09022015). Collection method: clinical testing. Allele origin: germline.
Comment: This sequence change creates a premature translational stop signal (p.Pro1648Argfs*62) in the COL7A1 gene. It is expected to result in an absent or disrupted protein product. Loss-of-function variants in COL7A1 are known to be pathogenic (PMID: 16971478). This variant is not present in population databases (gnomAD no frequency). This variant has not been reported in the literature in individuals affected with COL7A1-related conditions. For these reasons, this variant has been classified as Pathogenic.

Literature cited by the submitters: PubMed 16971478 (cited by Labcorp Genetics (formerly Invitae), Labcorp).

NM_000094.4(COL7A1):c.4943del (p.Pro1648fs)

Gene: COL7A1 (collagen type VII alpha 1 chain; minus strand). Cytogenetic location: 3p21.31.
Variant type: Deletion.
Coding change: c.4943del on transcript NM_000094.4 (MANE Select); coding-DNA position 4943, one base deleted (C; older notation c.4943delC).
Protein change: p.Pro1648fs; shifts the reading frame from proline 1648.
Molecular consequence: frameshift variant.
Genome position (GRCh38, 1-based): chr3:48,580,919, G deleted on the plus strand (C on the coding strand, the reverse complement: COL7A1 is on the minus strand); the first of 3 consecutive G bases (chr3:48,580,919-48,580,921); deleting any one gives the same sequence. VCF-style (leftmost placement, unchanged base first): chr3-48580918-CG-C. GRCh37 (hg19) VCF-style: chr3-48618351-CG-C.
Other names: c.4943del (NM_000094.3); c.4941delC, p.Pro1648Argfs (NM_000094.3); short protein forms P1648fs.
Identifiers: ClinVar variation 3681696 (VCV003681696.4).
Genomic context (GRCh38, chr3:48,580,918, plus strand): 5'-TTACTTCTCTCTGCCAAGACTCACCCGAAGGCCACGCTCGCCTGCTTTTCCAGGCAAACC[CG>C]GGTCACCCTGGTGATAGAGAGAAAAGTCATACTGCACAGGGCAGTCAGGATCTAACTCAC-3'